The following is an entry in ClinVar:

ClinVar aggregate classification (germline): Uncertain significance (1 of 4 stars; one submission).

Conditions:
Polycystic kidney disease, adult type (PKD1). Also called: Polycystic Kidney, Autosomal Dominant; POLYCYSTIC KIDNEY DISEASE, ADULT, TYPE I; Polycystic Kidney Disease 1, Autosomal Dominant; Polycystic kidney disease 1; Polycystic kidney disease 1, severe; POLYCYSTIC KIDNEY DISEASE 1 WITH OR WITHOUT POLYCYSTIC LIVER DISEASE. Identifiers: MedGen C3149841, MONDO:0008263, OMIM 173900.

Submission:

Centre for Mendelian Genomics, University Medical Centre Ljubljana
Classification: Uncertain significance for Polycystic kidney disease, adult type. Last evaluated: 2020-03-31. Review status: criteria provided, single submitter. Criteria: ACMG Guidelines, 2015. Collection method: clinical testing. Allele origin: unknown. Affected: yes.
Comment: This variant was classified as: Uncertain significance. The available evidence favors the pathogenic nature of this variant, however the currently available data is insufficient to conclusively support its pathogenic nature. Thus this variant is classified as Uncertain significance - favor pathogenic. The following ACMG criteria were applied in classifying this variant: PM2,BP4.

NM_001009944.3(PKD1):c.1404C>G (p.Ile468Met)

Gene: PKD1 (polycystin 1, transient receptor potential channel interacting; minus strand). Cytogenetic location: 16p13.3.
Variant type: single nucleotide variant.
Coding change: c.1404C>G on transcript NM_001009944.3 (MANE Select); coding-DNA position 1404, C replaced by G.
Protein change: p.Ile468Met; replaces isoleucine 468 with methionine.
Molecular consequence: missense variant.
Genome position (GRCh38, 1-based): chr16:2,117,035, G>C on the plus strand (C>G on the coding strand, the complement: PKD1 is on the minus strand). VCF-style: chr16-2117035-G-C. GRCh37 (hg19) VCF-style: chr16-2167036-G-C.
Other names: c.1404C>G, p.Ile468Met (NM_000296.4); short protein forms I468M.
Identifiers: ClinVar variation 931229 (VCV000931229.3), dbSNP rs755150845, ClinGen allele CA394392237.
Genomic context (GRCh38, chr16:2,117,035, plus strand): 5'-GCTGAAGGCCTCGCCCTGCGGCGCTGGGCCCACCTCCACCCCCTGCACAGTCGAGAAGCC[G>C]ATCCACACGTCTAGGCTCCTGGGGGCGGGTGTGGGATGGCAGGGGGCTCAGGGCACTCCT-3'
Protein context (NP_001009944.3, residues 458-478): SRVTRSLDVW[Ile468Met]GFSTVQGVEV